The following is an entry in ClinVar:

NM_007200.5(AKAP13):c.7588G>A (p.Glu2530Lys)

Gene: AKAP13 (A-kinase anchoring protein 13; plus strand). Cytogenetic location: 15q25.3.
Variant type: single nucleotide variant.
Coding change: c.7588G>A on transcript NM_007200.5 (MANE Select); coding-DNA position 7588, G replaced by A.
Protein change: p.Glu2530Lys; replaces glutamic acid 2530 with lysine.
Molecular consequence: missense variant.
Genome position (GRCh38, 1-based): chr15:85,740,252, G>A. VCF-style: chr15-85740252-G-A. GRCh37 (hg19) VCF-style: chr15-86283483-G-A.
Other names: NC_000015.9:g.86283483G>A; c.3451G>A, p.Glu1151Lys (NM_001270546.1); c.7600G>A, p.Glu2534Lys (NM_006738.6); short protein forms E1151K, E2530K, E2534K.
Identifiers: ClinVar variation 2645661 (VCV002645661.25), dbSNP rs150081112, ClinGen allele CA7714222.
Genomic context (GRCh38, chr15:85,740,252, plus strand): 5'-ACGAATGTTTCCATTTTGTTCCTTTGGCAGCAGGTTGTCCAGAGCGTTGTTCATCTCTAC[G>A]AGCTCCTCAGCGCTCTGCAGGTGCGTGCCTTCATCTTCCATCCCTGCGTTTATTTGTCTA-3'
Protein context (NP_009131.2, residues 2520-2540): QVVQSVVHLY[Glu2530Lys]LLSALQGVVL

ClinVar aggregate classification (germline): Likely benign (1 of 4 stars; one submission).

Allele frequency attached by ClinVar (database versions not stated): 1000 Genomes Project 30x 0.00062; 1000 Genomes Project 0.00080; gnomAD 0.00183; ESP Exome Variant Server 0.00146; TOPMed 0.00162; ExAC 0.00175.
gnomAD v4.1: 2,716 of 1,614,050 alleles (0.17%); highest among the groups gnomAD compares: Admixed American, 0.22%; 9 homozygotes.

Submissions (2):

CeGaT Center for Human Genetics Tuebingen
Classification: Likely benign. Last evaluated: 2022-09-01. Review status: criteria provided, single submitter. Criteria: CeGaT Center For Human Genetics Tuebingen Variant Classification Criteria Version 2. Collection method: clinical testing. Allele origin: germline. Affected: yes. Observed: 1 variant allele.
Comment: AKAP13: BP4

Dr. Peter K. Rogan Lab, Western University
No classification provided (evidence only). Condition: Malignant tumor of urinary bladder. Review status: no classification provided. Collection method: in vitro. Allele origin: not applicable. Functional consequence: retained intron. Not counted in ClinVar's aggregate classification.